The following is an entry in ClinVar:

ClinVar aggregate classification (germline): Uncertain significance (1 of 4 stars; one submission).

gnomAD v4.1: 1 of 1,614,162 alleles (0.000062%); highest among the groups gnomAD compares: Non-Finnish European, 0.000085%; no homozygotes.

Submission:

Labcorp Genetics (formerly Invitae), Labcorp
Classification: Uncertain significance. Last evaluated: 2022-01-21. Review status: criteria provided, single submitter. Criteria: Invitae Variant Classification Sherloc (09022015). Collection method: clinical testing. Allele origin: germline.
Comment: This sequence change falls in intron 5 of the ORC1 gene. It does not directly change the encoded amino acid sequence of the ORC1 protein. It affects a nucleotide within the consensus splice site. In summary, the available evidence is currently insufficient to determine the role of this variant in disease. Therefore, it has been classified as a Variant of Uncertain Significance. Variants that disrupt the consensus splice site are a relatively common cause of aberrant splicing (PMID: 17576681, 9536098). Algorithms developed to predict the effect of sequence changes on RNA splicing suggest that this variant may disrupt the consensus splice site. This variant has not been reported in the literature in individuals affected with ORC1-related conditions. This variant is not present in population databases (gnomAD no frequency).

Literature cited by the submitters: PubMed 17576681; PubMed 9536098.

NM_004153.4(ORC1):c.721+4A>C

Gene: ORC1 (origin recognition complex subunit 1; minus strand). Cytogenetic location: 1p32.3.
Variant type: single nucleotide variant.
Coding change: c.721+4A>C on transcript NM_004153.4 (MANE Select); 4 bases into the intron after coding-DNA position 721, A replaced by C.
Molecular consequence: intron variant.
Genome position (GRCh38, 1-based): chr1:52,396,042, T>G on the plus strand (A>C on the coding strand, the complement: ORC1 is on the minus strand). VCF-style: chr1-52396042-T-G. GRCh37 (hg19) VCF-style: chr1-52861714-T-G.
Other names: c.721+4A>C (NM_001190818.2, NM_001190819.2).
Identifiers: ClinVar variation 1372438 (VCV001372438.6), dbSNP rs2147940658, ClinGen allele CA2573132442.
Genomic context (GRCh38, chr1:52,396,042, plus strand): 5'-ATCATTTTTATCACATAACCCTTTAGCCCCAGTATTGCCCACGGTGATCCATTCCACAAC[T>G]TACTGCCAAGCTCCAGCCTCTTTCTGGCTCTTGGGGTAAGAGGATGGGTAGGAGTTTGGC-3'